The following is an entry in ClinVar:

NM_004006.3(DMD):c.956C>A (p.Ser319Ter)

Gene: DMD (dystrophin; minus strand). Cytogenetic location: Xp21.1.
Variant type: single nucleotide variant.
Coding change: c.956C>A on transcript NM_004006.3 (MANE Select); coding-DNA position 956, C replaced by A.
Protein change: p.Ser319Ter; replaces serine 319 with a stop codon.
Molecular consequence: nonsense.
Genome position (GRCh38, 1-based): chrX:32,697,874, G>T on the plus strand (C>A on the coding strand, the complement: DMD is on the minus strand). VCF-style: chrX-32697874-G-T. GRCh37 (hg19) VCF-style: chrX-32715991-G-T.
Other names: c.932C>A, p.Ser311Ter (NM_000109.4); c.944C>A, p.Ser315Ter (NM_004009.3); c.587C>A, p.Ser196Ter (NM_004010.3); short protein forms S319*, S311*, S196*, S315*.
Identifiers: ClinVar variation 2827783 (VCV002827783.3), dbSNP rs765986138, ClinGen allele CA412668361.

ClinVar aggregate classification (germline): Pathogenic (1 of 4 stars; one submission).

Conditions:
Duchenne muscular dystrophy (DMD). Also called: MUSCULAR DYSTROPHY, PSEUDOHYPERTROPHIC PROGRESSIVE, DUCHENNE TYPE; Duchenne Muscular Dystrophy (DMD). Identifiers: Orphanet 98896, MedGen C0013264, MONDO:0010679, OMIM 310200.

Submission:

Labcorp Genetics (formerly Invitae), Labcorp
Classification: Pathogenic for Duchenne muscular dystrophy. Last evaluated: 2023-01-12. Review status: criteria provided, single submitter. Criteria: Invitae Variant Classification Sherloc (09022015). Collection method: clinical testing. Allele origin: germline.
Comment: This sequence change creates a premature translational stop signal (p.Ser319*) in the DMD gene. It is expected to result in an absent or disrupted protein product. Loss-of-function variants in DMD are known to be pathogenic (PMID: 16770791, 25007885). This variant is not present in population databases (gnomAD no frequency). This premature translational stop signal has been observed in individual(s) with clinical features of Duchenne muscular dystrophy (PMID: 15351422). For these reasons, this variant has been classified as Pathogenic.

Literature cited by the submitters: PubMed 16770791; PubMed 25007885; PubMed 15351422.